The following is an entry in ClinVar:

NM_000422.3(KRT17):c.1157G>A (p.Arg386His)

Gene: KRT17 (keratin 17; minus strand). Cytogenetic location: 17q21.2.
Variant type: single nucleotide variant.
Coding change: c.1157G>A on transcript NM_000422.3 (MANE Select); coding-DNA position 1157, G replaced by A.
Protein change: p.Arg386His; replaces arginine 386 with histidine.
Molecular consequence: missense variant.
Genome position (GRCh38, 1-based): chr17:41,620,683, C>T on the plus strand (G>A on the coding strand, the complement: KRT17 is on the minus strand). VCF-style: chr17-41620683-C-T. GRCh37 (hg19) VCF-style: chr17-39776935-C-T.
Other names: short protein forms R386H.
Identifiers: ClinVar variation 1995323 (VCV001995323.4), dbSNP rs1330476715, ClinGen allele CA399503277.

ClinVar aggregate classification (germline): Uncertain significance (1 of 4 stars; one submission).

Allele frequency attached by ClinVar (database versions not stated): gnomAD exomes below 0.00001; TOPMed 0.00001.
gnomAD v4.1: 4 of 1,612,156 alleles (0.00025%); highest among the groups gnomAD compares: Non-Finnish European, 0.00025%; no homozygotes.

Submission:

Labcorp Genetics (formerly Invitae), Labcorp
Classification: Uncertain significance. Last evaluated: 2024-07-08. Review status: criteria provided, single submitter. Criteria: Invitae Variant Classification Sherloc (09022015). Collection method: clinical testing. Allele origin: germline.
Comment: This sequence change replaces arginine, which is basic and polar, with histidine, which is basic and polar, at codon 386 of the KRT17 protein (p.Arg386His). This variant is not present in population databases (gnomAD no frequency). This variant has not been reported in the literature in individuals affected with KRT17-related conditions. ClinVar contains an entry for this variant (Variation ID: 1995323). Advanced modeling of protein sequence and biophysical properties (such as structural, functional, and spatial information, amino acid conservation, physicochemical variation, residue mobility, and thermodynamic stability) performed at Invitae indicates that this missense variant is expected to disrupt KRT17 protein function with a positive predictive value of 80%. In summary, the available evidence is currently insufficient to determine the role of this variant in disease. Therefore, it has been classified as a Variant of Uncertain Significance.